The following is an entry in ClinVar:

ClinVar aggregate classification (germline): Uncertain significance. Review status: criteria provided, single submitter (1 of 4 stars). 2 submissions from 2 submitters: Uncertain significance (1). 1 of the submissions does not count toward it. Last evaluated 2023-04-18.

Conditions:
PLXNA3-related disorder. Also called: PLXNA3-related condition.

Allele frequency attached by ClinVar (database versions not stated): gnomAD 0.00005; TOPMed 0.00007; ESP Exome Variant Server 0.00019.
gnomAD v4.1: 28 of 1,191,027 alleles (0.0024%); highest among the groups gnomAD compares: African/African-American, 0.0088%; no homozygotes.

Submissions (2):

Ambry Genetics
Classification: Uncertain significance. Last evaluated: 2023-04-18. Review status: criteria provided, single submitter. Criteria: Ambry Variant Classification Scheme 2023. Collection method: clinical testing. Allele origin: germline.

PreventionGenetics, part of Exact Sciences
Classification: Uncertain significance for PLXNA3-related condition. Last evaluated: 2023-11-28. Review status: no assertion criteria provided. Collection method: clinical testing. Allele origin: germline. Not counted in ClinVar's aggregate classification.
Comment: The PLXNA3 c.1576G>A variant is predicted to result in the amino acid substitution p.Ala526Thr. To our knowledge, this variant has not been reported in the literature. This variant is reported in 0.019% of alleles in individuals of African descent in gnomAD. At this time, the clinical significance of this variant is uncertain due to the absence of conclusive functional and genetic evidence.

NM_017514.5(PLXNA3):c.1576G>A (p.Ala526Thr)

Gene: PLXNA3 (plexin A3; plus strand). Cytogenetic location: Xq28.
Variant type: single nucleotide variant.
Coding change: c.1576G>A on transcript NM_017514.5 (MANE Select); coding-DNA position 1576, G replaced by A.
Protein change: p.Ala526Thr; replaces alanine 526 with threonine.
Molecular consequence: missense variant.
Genome position (GRCh38, 1-based): chrX:154,463,979, G>A. VCF-style: chrX-154463979-G-A. GRCh37 (hg19) VCF-style: chrX-153692322-G-A.
Other names: short protein forms A526T.
Identifiers: ClinVar variation 2515606 (VCV002515606.4), dbSNP rs376423590, ClinGen allele CA10564098.
Genomic context (GRCh38, chrX:154,463,979, plus strand): 5'-GGCGGGACCGGCTCTGGCCCGACCCCGTGCAGGTGCTGCCGCGAAGGGGCCTGTCTGGGC[G>A]CCTCTGCCCCACACGGCTTTGCTGAGGAGCTGAGCAAGTGTGTCCAGGTGCGGGTCCGGC-3'
Protein context (NP_059984.3, residues 516-536): RCCREGACLG[Ala526Thr]SAPHGFAEEL